The following is an entry in ClinVar:

NM_004393.6(DAG1):c.2546A>T (p.Glu849Val)

Gene: DAG1 (dystroglycan 1; plus strand). Cytogenetic location: 3p21.31.
Variant type: single nucleotide variant.
Coding change: c.2546A>T on transcript NM_004393.6 (MANE Select); coding-DNA position 2546, A replaced by T.
Protein change: p.Glu849Val; replaces glutamic acid 849 with valine.
Molecular consequence: missense variant.
Genome position (GRCh38, 1-based): chr3:49,533,057, A>T. VCF-style: chr3-49533057-A-T. GRCh37 (hg19) VCF-style: chr3-49570490-A-T.
Other names: c.2546A>T, p.Glu849Val (NM_001165928.4, NM_001177634.3, NM_001177635.3 and 9 more transcripts); short protein forms E849V.
Identifiers: ClinVar variation 1061332 (VCV001061332.5), dbSNP rs865854417, ClinGen allele CA352798466.

ClinVar aggregate classification (germline): Uncertain significance (1 of 4 stars; one submission).

Conditions:
Autosomal recessive limb-girdle muscular dystrophy type 2P. Also called: MUSCULAR DYSTROPHY-DYSTROGLYCANOPATHY, LIMB-GIRDLE, DAG1-RELATED; Limb-Girdle Muscular Dystrophy Type 9C; MUSCULAR DYSTROPHY, LIMB-GIRDLE, TYPE 2P. Identifiers: Orphanet 280333, MedGen C4511963, MONDO:0013440, OMIM 613818.
Muscular dystrophy-dystroglycanopathy (congenital with brain and eye anomalies), type A9. Also called: Muscular dystrophy-dystroglycanopathy (congenital with brain and eye anomalies), type a, 9; WALKER-WARBURG SYNDROME OR MUSCLE-EYE BRAIN DISEASE, DAG1-RELATED. Identifiers: Orphanet 370997, Orphanet 899, MedGen C4225291, MONDO:0014683, OMIM 616538.

Submission:

Labcorp Genetics (formerly Invitae), Labcorp
Classification: Uncertain significance for Autosomal recessive limb-girdle muscular dystrophy type 2P; Muscular dystrophy-dystroglycanopathy (congenital with brain and eye anomalies), type A9. Last evaluated: 2020-09-17. Review status: criteria provided, single submitter. Criteria: Invitae Variant Classification Sherloc (09022015). Collection method: clinical testing. Allele origin: germline.
Comment: In summary, the available evidence is currently insufficient to determine the role of this variant in disease. Therefore, it has been classified as a Variant of Uncertain Significance. Algorithms developed to predict the effect of missense changes on protein structure and function are either unavailable or do not agree on the potential impact of this missense change (SIFT: "Deleterious"; PolyPhen-2: "Probably Damaging"; Align-GVGD: "Class C0"). This variant has not been reported in the literature in individuals with DAG1-related conditions. This variant is not present in population databases (ExAC no frequency). This sequence change replaces glutamic acid with valine at codon 849 of the DAG1 protein (p.Glu849Val). The glutamic acid residue is moderately conserved and there is a moderate physicochemical difference between glutamic acid and valine.